The following is an entry in ClinVar:

NM_001048174.2(MUTYH):c.359A>G (p.Tyr120Cys)

Gene: MUTYH (mutY DNA glycosylase; minus strand). Cytogenetic location: 1p34.1.
Variant type: single nucleotide variant.
Coding change: c.359A>G on transcript NM_001048174.2 (MANE Select); coding-DNA position 359, A replaced by G.
Protein change: p.Tyr120Cys; replaces tyrosine 120 with cysteine.
Molecular consequence: missense variant. On other transcripts: non-coding transcript variant (1), intron variant (2).
Genome position (GRCh38, 1-based): chr1:45,333,116, T>C on the plus strand (A>G on the coding strand, the complement: MUTYH is on the minus strand). VCF-style: chr1-45333116-T-C. GRCh37 (hg19) VCF-style: chr1-45798788-T-C.
Other names: c.359A>G, p.Tyr120Cys (NM_001048171.2, NM_001048173.2, NM_001293195.2); c.362A>G, p.Tyr121Cys (NM_001048172.2); c.443A>G, p.Tyr148Cys (NM_001128425.2); c.404A>G, p.Tyr135Cys (NM_001293190.2); c.392A>G, p.Tyr131Cys (NM_001293191.2); c.83A>G, p.Tyr28Cys (NM_001293192.2, NM_001293196.2); c.434A>G, p.Tyr145Cys (NM_012222.3); c.34-157A>G (NM_001350651.2, NM_001350650.2); short protein forms Y120C, Y121C, Y131C, Y145C, Y135C, Y148C, Y28C.
Identifiers: ClinVar variation 824890 (VCV000824890.14), dbSNP rs1570433085, ClinGen allele CA340136104.

ClinVar aggregate classification (germline): Uncertain significance. Review status: criteria provided, multiple submitters, no conflicts (2 of 4 stars). 2 submissions from 2 submitters: Uncertain significance (2). Last evaluated 2024-03-10.

Conditions:
Familial adenomatous polyposis 2. Also called: FAP type 2; MUTYH Polyposis; COLORECTAL ADENOMATOUS POLYPOSIS, AUTOSOMAL RECESSIVE; ADENOMAS, MULTIPLE COLORECTAL, AUTOSOMAL RECESSIVE; MUTYH-associated polyposis; MUTYH-related attenuated familial adenomatous polyposis. Identifiers: Orphanet 220460, Orphanet 247798, MedGen C3272841, MONDO:0012041, OMIM 608456.
Hereditary cancer-predisposing syndrome. Also called: Tumor predisposition; Hereditary Cancer Syndrome; Hereditary neoplastic syndrome; Neoplastic Syndromes, Hereditary. Identifiers: Orphanet 140162, MedGen C0027672, MeSH D009386, MONDO:0015356.

Allele frequency attached by ClinVar (database versions not stated): gnomAD exomes below 0.00001.
gnomAD v4.1: 1 of 1,614,128 alleles (0.000062%); highest among the groups gnomAD compares: Non-Finnish European, 0.000085%; no homozygotes.

Submissions (2):

Ambry Genetics
Classification: Uncertain significance for Hereditary cancer-predisposing syndrome. Last evaluated: 2024-03-10. Review status: criteria provided, single submitter. Criteria: Ambry Variant Classification Scheme 2023. Collection method: clinical testing. Allele origin: germline.
Comment: The p.Y148C variant (also known as c.443A>G), located in coding exon 5 of the MUTYH gene, results from an A to G substitution at nucleotide position 443. The tyrosine at codon 148 is replaced by cysteine, an amino acid with highly dissimilar properties. This amino acid position is highly conserved in available vertebrate species. In addition, this alteration is predicted to be deleterious by in silico analysis. Since supporting evidence is limited at this time, the clinical significance of this alteration remains unclear.

Labcorp Genetics (formerly Invitae), Labcorp
Classification: Uncertain significance for Familial adenomatous polyposis 2. Last evaluated: 2023-03-27. Review status: criteria provided, single submitter. Criteria: Invitae Variant Classification Sherloc (09022015). Collection method: clinical testing. Allele origin: germline.
Comment: This variant has not been reported in the literature in individuals affected with MUTYH-related conditions. In summary, the available evidence is currently insufficient to determine the role of this variant in disease. Therefore, it has been classified as a Variant of Uncertain Significance. An algorithm developed to predict the effect of missense changes on protein structure and function (PolyPhen-2) suggests that this variant is likely to be disruptive. ClinVar contains an entry for this variant (Variation ID: 824890). This variant is not present in population databases (gnomAD no frequency). This sequence change replaces tyrosine, which is neutral and polar, with cysteine, which is neutral and slightly polar, at codon 148 of the MUTYH protein (p.Tyr148Cys).